The following is an entry in ClinVar:

NM_000388.4(CASR):c.1703G>T (p.Cys568Phe)

Gene: CASR (calcium sensing receptor; plus strand). Cytogenetic location: 3q21.1.
Variant type: single nucleotide variant.
Coding change: c.1703G>T on transcript NM_000388.4 (MANE Select); coding-DNA position 1703, G replaced by T.
Protein change: p.Cys568Phe; replaces cysteine 568 with phenylalanine.
Molecular consequence: missense variant.
Genome position (GRCh38, 1-based): chr3:122,282,207, G>T. VCF-style: chr3-122282207-G-T. GRCh37 (hg19) VCF-style: chr3-122001054-G-T.
Other names: c.1733G>T, p.Cys578Phe (NM_001178065.2); short protein forms C568F, C578F.
Identifiers: ClinVar variation 3336091 (VCV003336091.1).

ClinVar aggregate classification (germline): Uncertain significance (1 of 4 stars; one submission).

Submission:

Women's Health and Genetics/Laboratory Corporation of America, LabCorp
Classification: Uncertain significance. Last evaluated: 2024-05-08. Review status: criteria provided, single submitter. Criteria: LabCorp Variant Classification Summary - May 2015. Collection method: clinical testing. Allele origin: germline.
Comment: Variant summary: CASR c.1703G>T (p.Cys568Phe) results in a non-conservative amino acid change located in the GPCR, family 3, nine cysteines domain (IPR011500) of the encoded protein sequence. Five of five in-silico tools predict a damaging effect of the variant on protein function. The variant was absent in 251490 control chromosomes. The available data on variant occurrences in the general population are insufficient to allow any conclusion about variant significance. To our knowledge, no occurrence of c.1703G>T in individuals affected with Autosomal Dominant Hypocalcemia and no experimental evidence demonstrating its impact on protein function have been reported. No submitters have cited clinical-significance assessments for this variant to ClinVar. Based on the evidence outlined above, the variant was classified as uncertain significance.